The following is an entry in ClinVar:

NM_013964.5(NRG1):c.866T>C (p.Met289Thr)

Gene: NRG1 (neuregulin 1; plus strand). Cytogenetic location: 8p12.
Variant type: single nucleotide variant.
Coding change: c.866T>C on transcript NM_013964.5 (MANE Select); coding-DNA position 866, T replaced by C.
Protein change: p.Met289Thr; replaces methionine 289 with threonine.
Molecular consequence: missense variant.
Genome position (GRCh38, 1-based): chr8:32,756,465, T>C. VCF-style: chr8-32756465-T-C. GRCh37 (hg19) VCF-style: chr8-32613983-T-C.
Other names: c.767T>C, p.Met256Thr (NM_001159995.3, NM_001322203.1); c.404T>C, p.Met135Thr (NM_001159996.3); c.818T>C, p.Met273Thr (NM_001159999.3); c.716T>C, p.Met239Thr (NM_001160001.3); c.857T>C, p.Met286Thr (NM_001160004.3, NM_001160008.2, NM_013957.5); c.395T>C, p.Met132Thr (NM_001322197.2); c.92T>C, p.Met31Thr (NM_001322201.2, NM_001322202.2); c.1046T>C, p.Met349Thr (NM_001322205.2, NM_001322206.2, NM_001322207.2); and 2 more; short protein forms M132T, M135T, M239T, M256T, M273T, M286T, M289T, M294T.
Identifiers: ClinVar variation 3060016 (VCV003060016.3), dbSNP rs10503929, ClinGen allele CA4705942.

ClinVar aggregate classification (germline): Benign. Review status: criteria provided, single submitter (1 of 4 stars). 2 submissions from 2 submitters: Benign (1). 1 of the submissions does not count toward it. Last evaluated 2024-11-27.

Conditions:
NRG1-related disorder. Also called: NRG1-related condition.

Allele frequency attached by ClinVar (database versions not stated): 1000 Genomes Project 0.06729; 1000 Genomes Project 30x 0.06793; TOPMed 0.11099; gnomAD 0.12374; ESP Exome Variant Server 0.13002; ExAC 0.13421; gnomAD exomes 0.16224.
gnomAD v4.1: 254,807 of 1,613,406 alleles (16%); highest among the groups gnomAD compares: Non-Finnish European, 18%; 22,620 homozygotes.

Submissions (2):

Blueprint Genetics
Classification: Benign. Last evaluated: 2024-11-27. Review status: criteria provided, single submitter. Criteria: ACMG Guidelines, 2015. Collection method: clinical testing. Allele origin: germline.

PreventionGenetics, part of Exact Sciences
Classification: Benign for NRG1-related condition. Last evaluated: 2019-03-27. Review status: no assertion criteria provided. Collection method: clinical testing. Allele origin: germline. Not counted in ClinVar's aggregate classification.
Comment: This variant is classified as benign based on ACMG/AMP sequence variant interpretation guidelines (Richards et al. 2015 PMID: 25741868, with internal and published modifications).